The following is an entry in ClinVar:

ClinVar aggregate classification (germline): Uncertain significance (1 of 4 stars; one submission).

Allele frequency attached by ClinVar (database versions not stated): ExAC 0.00001; gnomAD exomes 0.00001.
gnomAD v4.1: 3 of 1,613,976 alleles (0.00019%); highest among the groups gnomAD compares: East Asian, 0.0067%; no homozygotes.

Submission:

Labcorp Genetics (formerly Invitae), Labcorp
Classification: Uncertain significance. Last evaluated: 2022-06-01. Review status: criteria provided, single submitter. Criteria: Invitae Variant Classification Sherloc (09022015). Collection method: clinical testing. Allele origin: germline.
Comment: This variant has not been reported in the literature in individuals affected with ABCC6-related conditions. In summary, the available evidence is currently insufficient to determine the role of this variant in disease. Therefore, it has been classified as a Variant of Uncertain Significance. Algorithms developed to predict the effect of missense changes on protein structure and function are either unavailable or do not agree on the potential impact of this missense change (SIFT: "Deleterious"; PolyPhen-2: "Probably Damaging"; Align-GVGD: "Class C0"). This variant is present in population databases (rs758166222, gnomAD 0.01%). This sequence change replaces lysine, which is basic and polar, with methionine, which is neutral and non-polar, at codon 682 of the ABCC6 protein (p.Lys682Met).

NM_001171.6(ABCC6):c.2045A>T (p.Lys682Met)

Gene: ABCC6 (ATP binding cassette subfamily C member 6; minus strand). Cytogenetic location: 16p13.11.
Variant type: single nucleotide variant.
Coding change: c.2045A>T on transcript NM_001171.6 (MANE Select); coding-DNA position 2045, A replaced by T.
Protein change: p.Lys682Met; replaces lysine 682 with methionine.
Molecular consequence: missense variant. On other transcripts: non-coding transcript variant (1).
Genome position (GRCh38, 1-based): chr16:16,182,829, T>A on the plus strand (A>T on the coding strand, the complement: ABCC6 is on the minus strand). VCF-style: chr16-16182829-T-A. GRCh37 (hg19) VCF-style: chr16-16276686-T-A.
Other names: c.1703A>T, p.Lys568Met (NM_001351800.1); short protein forms K568M, K682M.
Identifiers: ClinVar variation 1940086 (VCV001940086.3), dbSNP rs758166222, ClinGen allele CA7926049.